The following is an entry in ClinVar:

NM_000543.5(SMPD1):c.1280A>G (p.His427Arg)

Gene: SMPD1 (sphingomyelin phosphodiesterase 1; plus strand). Cytogenetic location: 11p15.4.
Variant type: single nucleotide variant.
Coding change: c.1280A>G on transcript NM_000543.5 (MANE Select); coding-DNA position 1280, A replaced by G.
Protein change: p.His427Arg; replaces histidine 427 with arginine.
Molecular consequence: missense variant. On other transcripts: non-coding transcript variant (2).
Genome position (GRCh38, 1-based): chr11:6,393,633, A>G. VCF-style: chr11-6393633-A-G. GRCh37 (hg19) VCF-style: chr11-6414863-A-G.
Other names: c.1277A>G, p.His426Arg (NM_001007593.3); c.1280A>G, p.His427Arg (NM_001318087.2); c.359A>G, p.His120Arg (NM_001318088.2); c.1148A>G, p.His383Arg (NM_001365135.2); short protein forms H427R, H426R, H120R, H383R.
Identifiers: ClinVar variation 569207 (VCV000569207.22), dbSNP rs794727629, ClinGen allele CA217301956.

ClinVar aggregate classification (germline): Pathogenic/Likely pathogenic. Review status: criteria provided, multiple submitters, no conflicts (2 of 4 stars). 7 submissions from 7 submitters: Pathogenic (1); Likely pathogenic (6). Last evaluated 2025-10-20.

Conditions:
SMPD1-related disorder. Also called: SMPD1-related condition.
Niemann-Pick disease, type B. Also called: Chronic Visceral ASMD (Niemann-Pick Disease Type B; NPD-B). Identifiers: Orphanet 77293, MedGen C0268243, MONDO:0011871, OMIM 607616. Disease mechanism: loss of function.
Niemann-Pick disease, type A. Also called: Infantile Neurovisceral ASMD (Niemann-Pick Disease Type A; NPD-A); SPHINGOMYELIN LIPIDOSIS; SPHINGOMYELINASE DEFICIENCY. Identifiers: Orphanet 77292, MedGen C0268242, MONDO:0009756, OMIM 257200. Disease mechanism: loss of function.
Sphingomyelin/cholesterol lipidosis. Also called: Niemann-Pick disease. Identifiers: MedGen C0028064, MONDO:0001982.

Allele frequency attached by ClinVar (database versions not stated): gnomAD exomes 0.00001; TOPMed 0.00002; gnomAD 0.00001.

Submissions (7):

Natera, Inc.
Classification: Likely pathogenic for Niemann-Pick Disease, Types A/B. Last evaluated: 2025-10-20. Review status: criteria provided, single submitter. Criteria: Natera Variant Classification Schema (03/2026). Collection method: clinical testing. Allele origin: germline.
Comment: The c.1280A>G variant in SMPD1 is a missense variant predicted to cause substitution of histidine to arginine at amino acid 427. This variant is rare in the general population with a frequency below the threshold expected for the associated phenotype(s). This variant has been observed in one or more individuals affected with the associated recessive disease, as either homozygous or compound heterozygous with a second variant (PMID: 20386867). Functional studies show that this variant may disrupt protein function (PMID: 20386867). Computational prediction algorithms indicate this variant is likely to affect gene or protein function. Given the available evidence, this variant is classified as Likely Pathogenic.

PreventionGenetics, part of Exact Sciences
Classification: Likely pathogenic for SMPD1-related condition. Last evaluated: 2025-07-28. Review status: criteria provided, single submitter. Criteria: ACMG Guidelines, 2015. Collection method: clinical testing. Allele origin: germline.
Comment: The SMPD1 c.1280A>G variant is predicted to result in the amino acid substitution p.His427Arg. In vitro functional studies demonstrated that expression of this variant in 293-T cells results in <1% activity of wildtype (Desnick et al. 2010. PubMed ID: 20386867). This variant is reported in 0.0018% of alleles in individuals of European (non-Finnish) descent in gnomAD. This variant is interpreted as likely pathogenic.

Fulgent Genetics
Classification: Likely pathogenic for Niemann-Pick disease, type A; Niemann-Pick disease, type B. Last evaluated: 2024-03-20. Review status: criteria provided, single submitter. Criteria: ACMG Guidelines, 2015. Collection method: clinical testing. Allele origin: germline.

Baylor Genetics
Classification: Likely pathogenic for Niemann-Pick disease, type A. Last evaluated: 2023-11-23. Review status: criteria provided, single submitter. Criteria: ACMG Guidelines, 2015. Collection method: clinical testing. Allele origin: unknown.

Labcorp Genetics (formerly Invitae), Labcorp
Classification: Pathogenic for Niemann-Pick disease, type B; Niemann-Pick disease, type A. Last evaluated: 2023-10-13. Review status: criteria provided, single submitter. Criteria: Invitae Variant Classification Sherloc (09022015). Collection method: clinical testing. Allele origin: germline.
Comment: This sequence change replaces histidine, which is basic and polar, with arginine, which is basic and polar, at codon 427 of the SMPD1 protein (p.His427Arg). This variant is present in population databases (no rsID available, gnomAD 0.002%). This missense change has been observed in individuals with Nieman Pick disease type B (PMID: 20386867). ClinVar contains an entry for this variant (Variation ID: 569207). Advanced modeling of protein sequence and biophysical properties (such as structural, functional, and spatial information, amino acid conservation, physicochemical variation, residue mobility, and thermodynamic stability) performed at Invitae indicates that this missense variant is expected to disrupt SMPD1 protein function. Experimental studies have shown that this missense change affects SMPD1 function (PMID: 20386867, 25144372). This variant disrupts the p.His427 amino acid residue in SMPD1. Other variant(s) that disrupt this residue have been determined to be pathogenic (Invitae). This suggests that this residue is clinically significant, and that variants that disrupt this residue are likely to be disease-causing. For these reasons, this variant has been classified as Pathogenic.

Women's Health and Genetics/Laboratory Corporation of America, LabCorp
Classification: Likely pathogenic for Sphingomyelin/cholesterol lipidosis. Last evaluated: 2023-04-24. Review status: criteria provided, single submitter. Criteria: LabCorp Variant Classification Summary - May 2015. Collection method: clinical testing. Allele origin: germline.
Comment: Variant summary: SMPD1 c.1280A>G (p.His427Arg) results in a non-conservative amino acid change located in the ApaH type calcineurin-like phosphoesterase domain (IPR004843) of the encoded protein sequence. Five of five in-silico tools predict a damaging effect of the variant on protein function. The variant allele was found at a frequency of 8e-06 in 249056 control chromosomes (gnomAD). c.1280A>G has been reported in the literature in the compound heterozygous state in an individual affected with Niemann-Pick Disease (Desnick_2010). These data do not allow any strong conclusion about variant significance. At least one publication reports experimental evidence evaluating an impact on protein function and found that the variant results in <1% of the activity of the WT protein (Desnick_2010). Three clinical diagnostic laboratories have submitted clinical-significance assessments for this variant to ClinVar after 2014 and classified the variant as VUS (n=2) or likely pathogenic (n=1). Based on the evidence outlined above, the variant was classified as likely pathogenic.

Clinical Genetics Service, Universitary Hospital 12 de Octubre
Classification: Likely pathogenic for Niemann-Pick disease, type A. Review status: criteria provided, single submitter. Criteria: ACMG Guidelines, 2015. Collection method: clinical testing. Allele origin: maternal. Affected: yes.

Literature cited by the submitters: PubMed 20386867 (cited by 3 submitters); PubMed 25144372 (cited by Labcorp Genetics (formerly Invitae), Labcorp).